The following is an entry in ClinVar:

ClinVar aggregate classification (germline): Uncertain significance (1 of 4 stars; one submission).

Submission:

Labcorp Genetics (formerly Invitae), Labcorp
Classification: Uncertain significance. Last evaluated: 2023-08-10. Review status: criteria provided, single submitter. Criteria: Invitae Variant Classification Sherloc (09022015). Collection method: clinical testing. Allele origin: germline.
Comment: In summary, the available evidence is currently insufficient to determine the role of this variant in disease. Therefore, it has been classified as a Variant of Uncertain Significance. Variants that disrupt the consensus splice site are a relatively common cause of aberrant splicing (PMID: 17576681, 9536098). Algorithms developed to predict the effect of sequence changes on RNA splicing suggest that this variant may disrupt the consensus splice site. ClinVar contains an entry for this variant (Variation ID: 2025166). This variant has been observed in individual(s) with Usher syndrome (Invitae). This variant is not present in population databases (gnomAD no frequency). This sequence change falls in intron 9 of the USH2A gene. It does not directly change the encoded amino acid sequence of the USH2A protein. It affects a nucleotide within the consensus splice site.

Literature cited by the submitters: PubMed 17576681; PubMed 9536098.

NM_206933.4(USH2A):c.1644+5G>T

Gene: USH2A (usherin; minus strand). Cytogenetic location: 1q41.
Variant type: single nucleotide variant.
Coding change: c.1644+5G>T on transcript NM_206933.4 (MANE Select); 5 bases into the intron after coding-DNA position 1644, G replaced by T.
Molecular consequence: intron variant.
Genome position (GRCh38, 1-based): chr1:216,321,878, C>A on the plus strand (G>T on the coding strand, the complement: USH2A is on the minus strand). VCF-style: chr1-216321878-C-A. GRCh37 (hg19) VCF-style: chr1-216495220-C-A.
Other names: c.1644+5G>T (NM_007123.6).
Identifiers: ClinVar variation 2025166 (VCV002025166.4), dbSNP rs1558036810, ClinGen allele CA2580062119.